The following is an entry in ClinVar:

ClinVar aggregate classification (germline): Uncertain significance (1 of 4 stars; one submission).

Conditions:
Arrhythmogenic right ventricular dysplasia 13. Also called: Arrhythmogenic right ventricular dysplasia, familial, 13; ARRHYTHMOGENIC RIGHT VENTRICULAR CARDIOMYOPATHY 13. Identifiers: MedGen C3810138, MONDO:0000908, OMIM 615616.

gnomAD v4.1: 1 of 1,614,018 alleles (0.000062%); highest among the groups gnomAD compares: African/African-American, 0.0013%; no homozygotes.

Submission:

Labcorp Genetics (formerly Invitae), Labcorp
Classification: Uncertain significance for Arrhythmogenic right ventricular dysplasia 13. Last evaluated: 2024-11-21. Review status: criteria provided, single submitter. Criteria: Invitae Variant Classification Sherloc (09022015). Collection method: clinical testing. Allele origin: germline.
Comment: This sequence change replaces lysine, which is basic and polar, with arginine, which is basic and polar, at codon 238 of the CTNNA3 protein (p.Lys238Arg). This variant is present in population databases (no rsID available, gnomAD 0.01%). This variant has not been reported in the literature in individuals affected with CTNNA3-related conditions. Invitae Evidence Modeling of protein sequence and biophysical properties (such as structural, functional, and spatial information, amino acid conservation, physicochemical variation, residue mobility, and thermodynamic stability) indicates that this missense variant is not expected to disrupt CTNNA3 protein function with a negative predictive value of 80%. In summary, the available evidence is currently insufficient to determine the role of this variant in disease. Therefore, it has been classified as a Variant of Uncertain Significance.

NM_013266.4(CTNNA3):c.713A>G (p.Lys238Arg)

Gene: CTNNA3 (catenin alpha 3; minus strand). Cytogenetic location: 10q21.3.
Variant type: single nucleotide variant.
Coding change: c.713A>G on transcript NM_013266.4 (MANE Select); coding-DNA position 713, A replaced by G.
Protein change: p.Lys238Arg; replaces lysine 238 with arginine.
Molecular consequence: missense variant.
Genome position (GRCh38, 1-based): chr10:67,219,737, T>C on the plus strand (A>G on the coding strand, the complement: CTNNA3 is on the minus strand). VCF-style: chr10-67219737-T-C. GRCh37 (hg19) VCF-style: chr10-68979495-T-C.
Other names: c.713A>G, p.Lys238Arg (NM_001127384.3); c.749A>G, p.Lys250Arg (NM_001291133.2); short protein forms K238R, K250R.
Identifiers: ClinVar variation 3665969 (VCV003665969.2).